The following is an entry in ClinVar:

NM_173598.6(KSR2):c.321+5C>A

Gene: KSR2 (kinase suppressor of ras 2; minus strand). Cytogenetic location: 12q24.23.
Variant type: single nucleotide variant.
Coding change: c.321+5C>A on transcript NM_173598.6 (MANE Select); 5 bases into the intron after coding-DNA position 321, C replaced by A.
Molecular consequence: intron variant.
Genome position (GRCh38, 1-based): chr12:117,860,286, G>T on the plus strand (C>A on the coding strand, the complement: KSR2 is on the minus strand). VCF-style: chr12-117860286-G-T. GRCh37 (hg19) VCF-style: chr12-118298091-G-T.
Identifiers: ClinVar variation 4998161 (VCV004998161.1).

ClinVar aggregate classification (germline): Likely benign (1 of 4 stars; one submission).

Conditions:
KSR2-related disorder. Also called: KSR2-related condition.

Submission:

PreventionGenetics, part of Exact Sciences
Classification: Likely benign for KSR2-related condition. Last evaluated: 2024-11-18. Review status: criteria provided, single submitter. Criteria: ACMG Guidelines, 2015. Collection method: clinical testing. Allele origin: germline.
Comment: This variant is classified as likely benign based on ACMG/AMP sequence variant interpretation guidelines (Richards et al. 2015 PMID: 25741868, with internal and published modifications).